The following is an entry in ClinVar:

ClinVar aggregate classification (germline): Uncertain significance. Review status: criteria provided, multiple submitters, no conflicts (2 of 4 stars). 4 submissions from 4 submitters: Uncertain significance (4). Last evaluated 2025-11-03.

Conditions:
Dystonia 27 (DYT27). Identifiers: Orphanet 464440, MedGen C4225336, MONDO:0014627, OMIM 616411.
Bethlem myopathy 1C (BTHLM1C). Identifiers: MedGen C5935581, MONDO:0958234, OMIM 620726.
Ullrich congenital muscular dystrophy 1C (UCMD1C). Identifiers: MedGen C5935583, MONDO:0958236, OMIM 620728.
Bethlem myopathy 1A. Also called: Bethlem myopathy 1; MYOPATHY, BENIGN CONGENITAL, WITH CONTRACTURES; Bethlem Muscular Dystrophy. Identifiers: Orphanet 610, MedGen CN029274, MONDO:0024530, OMIM 158810.

Submissions (4):

Labcorp Genetics (formerly Invitae), Labcorp
Classification: Uncertain significance for Bethlem myopathy 1A. Last evaluated: 2025-11-03. Review status: criteria provided, single submitter. Criteria: Invitae Variant Classification Sherloc (09022015). Collection method: clinical testing. Allele origin: germline.
Comment: This variant, c.8634_8651del, results in the deletion of 6 amino acid(s) of the COL6A3 protein (p.Lys2881_Thr2886del), but otherwise preserves the integrity of the reading frame. This variant is present in population databases (rs780678900, gnomAD 0.1%). This variant has not been reported in the literature in individuals affected with COL6A3-related conditions. ClinVar contains an entry for this variant (Variation ID: 429218). Experimental studies and prediction algorithms are not available or were not evaluated, and the functional significance of this variant is currently unknown. In summary, the available evidence is currently insufficient to determine the role of this variant in disease. Therefore, it has been classified as a Variant of Uncertain Significance.

Revvity Omics, Revvity
Classification: Uncertain significance. Last evaluated: 2023-11-21. Review status: criteria provided, single submitter. Criteria: ACMG Guidelines, 2015. Collection method: clinical testing. Allele origin: germline.

Department of Pathology and Laboratory Medicine, Sinai Health System
Classification: Uncertain significance for Dystonia 27; Bethlem myopathy 1C; Ullrich congenital muscular dystrophy 1C. Last evaluated: 2022-10-07. Review status: criteria provided, single submitter. Criteria: ACMG Guidelines, 2015. Collection method: research. Allele origin: germline.

GeneDx
Classification: Uncertain significance. Last evaluated: 2017-04-20. Review status: criteria provided, single submitter. Criteria: GeneDx Variant Classification (06012015). Collection method: clinical testing. Allele origin: germline. Affected: yes.
Comment: The c.8634_8651del18 variant has not been published as a pathogenic variant, nor has it been reported as a benign variant to our knowledge. This variant is not observed in large population cohorts (Lek et al., 2016; 1000 Genomes Consortium et al., 2015; Exome Variant Server). The c.8634_8651del18 variant results in an in-frame deletion of six amino acids, denoted p.Lys2881_Thr2886del. However, this variant is not predicted to cause loss of normal protein function through protein truncation or nonsense-mediated mRNA decay.

NM_004369.4(COL6A3):c.8634_8651del (p.2875KPVTTT[1])

Gene: COL6A3 (collagen type VI alpha 3 chain; minus strand). Cytogenetic location: 2q37.3.
Variant type: Deletion.
Coding change: c.8634_8651del on transcript NM_004369.4 (MANE Select); coding-DNA positions 8634 to 8651, 18 bases deleted (TACGACGAAGCCGGTGAC).
Protein change: p.2875KPVTTT[1].
Molecular consequence: inframe deletion.
Genome position (GRCh38, 1-based): chr2:237,336,449-237,336,466, GTCACCGGCTTCGTCGTA deleted on the plus strand (TACGACGAAGCCGGTGAC on the coding strand, the reverse complement: COL6A3 is on the minus strand); deleting any 18 consecutive bases within chr2:237,336,449-237,336,480 gives the same sequence; the c. name uses the placement nearest the transcript's 3' end. VCF-style (leftmost placement, unchanged base first): chr2-237336448-GGTCACCGGCTTCGTCGTA-G. GRCh37 (hg19) VCF-style: chr2-238245091-GGTCACCGGCTTCGTCGTA-G.
Other names: c.8634_8651del18 (NM_004369.3); c.8634_8651delTACGACGAAGCCGGTGAC (NM_004369.3); c.6813_6830del, p.2268KPVTTT[1] (NM_057166.5); c.8016_8033del, p.2669KPVTTT[1] (NM_057167.4).
Identifiers: ClinVar variation 429218 (VCV000429218.15), dbSNP rs780678900, ClinGen allele CA2187473.